The following is an entry in ClinVar:

NM_199242.3(UNC13D):c.2039G>T (p.Arg680Leu)

Gene: UNC13D (unc-13 homolog D; minus strand). Cytogenetic location: 17q25.1.
Variant type: single nucleotide variant.
Coding change: c.2039G>T on transcript NM_199242.3 (MANE Select); coding-DNA position 2039, G replaced by T.
Protein change: p.Arg680Leu; replaces arginine 680 with leucine.
Molecular consequence: missense variant.
Genome position (GRCh38, 1-based): chr17:75,834,670, C>A on the plus strand (G>T on the coding strand, the complement: UNC13D is on the minus strand). VCF-style: chr17-75834670-C-A. GRCh37 (hg19) VCF-style: chr17-73830751-C-A.
Other names: short protein forms R680L.
Identifiers: ClinVar variation 4852393 (VCV004852393.1).

ClinVar aggregate classification (germline): Uncertain significance (1 of 4 stars; one submission).

Conditions:
Familial hemophagocytic lymphohistiocytosis 3 (FHL3). Also called: UNC13D-Related Familial Hemophagocytic Lymphohistiocytosis (UNC13D-fHLH). Identifiers: Orphanet 540, MedGen C1837174, MONDO:0012146, OMIM 608898.

gnomAD v4.1: 54 of 1,613,750 alleles (0.0033%); highest among the groups gnomAD compares: Non-Finnish European, 0.0036%; no homozygotes.

Submission:

Clinical Immunology, Karolinska University Hospital
Classification: Uncertain significance for Familial hemophagocytic lymphohistiocytosis 3. Last evaluated: 2026-06-01. Review status: criteria provided, single submitter. Criteria: ACMG Guidelines, 2015. Collection method: clinical testing. Allele origin: germline. Inheritance: Autosomal recessive inheritance. Affected: yes.
Comment: In trans with UNC13D 252kb inversion. Degranulation in NK cells was reduced compared to healthy controls. PM3, PP2 (Revelscore 0,795) and PP4 supp was used (degranulation assay).